The following is an entry in ClinVar:

ClinVar aggregate classification (germline): Uncertain significance (1 of 4 stars; one submission).

Conditions:
Peroxisome biogenesis disorder, complementation group 7 (CG7). Also called: Peroxisome biogenesis disorder, complementation group B. Identifiers: MedGen C1864399.

gnomAD v4.1: 1 of 1,383,850 alleles (0.000072%); highest among the groups gnomAD compares: Non-Finnish European, 0.000093%; no homozygotes.

Submission:

Labcorp Genetics (formerly Invitae), Labcorp
Classification: Uncertain significance for Peroxisome biogenesis disorder, complementation group 7. Last evaluated: 2022-08-07. Review status: criteria provided, single submitter. Criteria: Invitae Variant Classification Sherloc (09022015). Collection method: clinical testing. Allele origin: germline.
Comment: This sequence change replaces serine, which is neutral and polar, with asparagine, which is neutral and polar, at codon 7 of the PEX10 protein (p.Ser7Asn). This variant is not present in population databases (gnomAD no frequency). This variant has not been reported in the literature in individuals affected with PEX10-related conditions. Algorithms developed to predict the effect of missense changes on protein structure and function output the following: SIFT: "Tolerated"; PolyPhen-2: "Benign"; Align-GVGD: "Class C0". The asparagine amino acid residue is found in multiple mammalian species, which suggests that this missense change does not adversely affect protein function. In summary, the available evidence is currently insufficient to determine the role of this variant in disease. Therefore, it has been classified as a Variant of Uncertain Significance.

NM_002617.4(PEX10):c.20G>A (p.Ser7Asn)

Gene: PEX10 (peroxisomal biogenesis factor 10; minus strand). Cytogenetic location: 1p36.32.
Variant type: single nucleotide variant.
Coding change: c.20G>A on transcript NM_002617.4 (MANE Select); coding-DNA position 20, G replaced by A.
Protein change: p.Ser7Asn; replaces serine 7 with asparagine.
Molecular consequence: missense variant. On other transcripts: intron variant (2).
Genome position (GRCh38, 1-based): chr1:2,412,483, C>T on the plus strand (G>A on the coding strand, the complement: PEX10 is on the minus strand). VCF-style: chr1-2412483-C-T. GRCh37 (hg19) VCF-style: chr1-2343922-C-T.
Other names: c.20G>A, p.Ser7Asn (NM_001374425.1, NM_153818.2); c.-321+1114G>A (NM_001374427.1, NM_001374426.1); short protein forms S7N.
Identifiers: ClinVar variation 2102848 (VCV002102848.1), dbSNP rs1311473724, ClinGen allele CA337990727.